The following is an entry in ClinVar:

ClinVar aggregate classification (germline): Benign (1 of 4 stars; one submission).

Allele frequency attached by ClinVar (database versions not stated): 1000 Genomes Project 30x 0.03170; TOPMed 0.04390; gnomAD 0.04726 and 0.04763; 1000 Genomes Project 0.03155.
gnomAD v4.1: 7,183 of 152,228 alleles (4.7%); highest among the groups gnomAD compares: Non-Finnish European, 6.6%; 232 homozygotes.

Submission:

GeneDx
Classification: Benign. Last evaluated: 2018-06-16. Review status: criteria provided, single submitter. Criteria: GeneDx Variant Classification (06012015). Collection method: clinical testing. Allele origin: germline. Affected: yes.
Comment: This variant is considered likely benign or benign based on one or more of the following criteria: it is a conservative change, it occurs at a poorly conserved position in the protein, it is predicted to be benign by multiple in silico algorithms, and/or has population frequency not consistent with disease.

NM_182961.4(SYNE1):c.226-297G>A

Gene: SYNE1 (spectrin repeat containing nuclear envelope protein 1; minus strand). Cytogenetic location: 6q25.2.
Variant type: single nucleotide variant.
Coding change: c.226-297G>A on transcript NM_182961.4 (MANE Select); 297 bases into the intron before coding-DNA position 226, G replaced by A.
Molecular consequence: intron variant.
Genome position (GRCh38, 1-based): chr6:152,520,839, C>T on the plus strand (G>A on the coding strand, the complement: SYNE1 is on the minus strand). VCF-style: chr6-152520839-C-T. GRCh37 (hg19) VCF-style: chr6-152841974-C-T.
Other names: c.226-297G>A (NM_033071.5).
Identifiers: ClinVar variation 673422 (VCV000673422.1), dbSNP rs17699371, ClinGen allele CA150208561.